The following is an entry in ClinVar:

NM_001854.4(COL11A1):c.3542A>C (p.Gln1181Pro)

Gene: COL11A1 (collagen type XI alpha 1 chain; minus strand). Cytogenetic location: 1p21.1.
Variant type: single nucleotide variant.
Coding change: c.3542A>C on transcript NM_001854.4 (MANE Select); coding-DNA position 3542, A replaced by C.
Protein change: p.Gln1181Pro; replaces glutamine 1181 with proline.
Molecular consequence: missense variant. On other transcripts: non-coding transcript variant (1).
Genome position (GRCh38, 1-based): chr1:102,934,507, T>G on the plus strand (A>C on the coding strand, the complement: COL11A1 is on the minus strand). VCF-style: chr1-102934507-T-G. GRCh37 (hg19) VCF-style: chr1-103400063-T-G.
Other names: c.3425A>C, p.Gln1142Pro (NM_001190709.2); c.3578A>C, p.Gln1193Pro (NM_080629.3); c.3194A>C, p.Gln1065Pro (NM_080630.4); short protein forms Q1065P, Q1142P, Q1181P, Q1193P.
Identifiers: ClinVar variation 1002231 (VCV001002231.11), dbSNP rs370534700, ClinGen allele CA973968.

ClinVar aggregate classification (germline): Conflicting classifications of pathogenicity. Review status: criteria provided, conflicting classifications (1 of 4 stars). 3 submissions from 3 submitters: Uncertain significance (2); Benign (1). Last evaluated 2026-03-23.

Conditions:
Inborn genetic diseases. Identifiers: MedGen C0950123, MeSH D030342.

Allele frequency attached by ClinVar (database versions not stated): gnomAD exomes 0.00003 and 0.00001; gnomAD 0.00011 and 0.00013; TOPMed 0.00008; ExAC 0.00003; ESP Exome Variant Server 0.00008.
gnomAD v4.1: 22 of 1,614,078 alleles (0.0014%); highest among the groups gnomAD compares: African/African-American, 0.028%; no homozygotes.

Submissions (3):

Ambry Genetics
Classification: Uncertain significance for Inborn genetic diseases. Last evaluated: 2026-03-23. Review status: criteria provided, single submitter. Criteria: Ambry Variant Classification Scheme 2023. Collection method: clinical testing. Allele origin: germline.

Labcorp Genetics (formerly Invitae), Labcorp
Classification: Benign. Last evaluated: 2025-12-20. Review status: criteria provided, single submitter. Criteria: Invitae Variant Classification Sherloc (09022015). Collection method: clinical testing. Allele origin: germline.

GeneDx
Classification: Uncertain significance. Last evaluated: 2022-03-15. Review status: criteria provided, single submitter. Criteria: GeneDx Variant Classification Process June 2021. Collection method: clinical testing. Allele origin: germline. Affected: yes.
Comment: In silico analysis supports that this missense variant has a deleterious effect on protein structure/function; Occurs in the triple helical domain at the X position in the canonical Gly-X-Y repeat; although this variant may have an effect on normal protein folding and function, missense substitution at the X position is not a common mechanism of disease; Has not been previously published as pathogenic or benign to our knowledge